The following is an entry in ClinVar:

ClinVar aggregate classification (germline): Pathogenic (1 of 4 stars; one submission).

Conditions:
Congenital myotonia, autosomal recessive form. Also called: BECKER DISEASE; Becker Generalized Myotonia; myotonia congenita, autosomal recessive. Identifiers: Orphanet 614, MedGen C0751360, MONDO:0009715, OMIM 255700.
Congenital myotonia, autosomal dominant form (THD). Also called: THOMSEN DISEASE; Myotonia congenita autosomal dominant. Identifiers: Orphanet 614, MedGen C2936781, MONDO:0008055, OMIM 160800.

Submission:

Labcorp Genetics (formerly Invitae), Labcorp
Classification: Pathogenic for Congenital myotonia, autosomal recessive form; Congenital myotonia, autosomal dominant form. Last evaluated: 2023-06-06. Review status: criteria provided, single submitter. Criteria: Invitae Variant Classification Sherloc (09022015). Collection method: clinical testing. Allele origin: unknown.
Comment: For these reasons, this variant has been classified as Pathogenic. This variant disrupts a region of the CLCN1 protein in which other variant(s) (p.Gly945Argfs*39) have been determined to be pathogenic (PMID: 18337100; Invitae). This suggests that this is a clinically significant region of the protein, and that variants that disrupt it are likely to be disease-causing. This variant has not been reported in the literature in individuals affected with CLCN1-related conditions. This variant is a gross deletion of the genomic region encompassing exon(s) 21-23 of the CLCN1 gene, which includes the termination codon. This deletion extends beyond the assayed region for this gene and therefore may encompass additional genes. While this deletion is not anticipated to lead to nonsense mediated decay, it is expected to alter mRNA translation or result in a truncated protein product.

Literature cited by the submitters: PubMed 18337100.

NC_000007.13:g.(?_143047445)_(143049058_?)del

Gene: CLCN1 (chloride voltage-gated channel 1; plus strand). Cytogenetic location: 7q34.
Variant type: Deletion.
Identifiers: ClinVar variation 3245729 (VCV003245729.1).